The following is an entry in ClinVar:

ClinVar aggregate classification (germline): Uncertain significance. Review status: criteria provided, multiple submitters, no conflicts (2 of 4 stars). 3 submissions from 3 submitters: Uncertain significance (3). Last evaluated 2025-05-12.

Conditions:
Ataxia - intellectual disability - oculomotor apraxia - cerebellar cysts syndrome. Also called: Poretti-Boltshauser syndrome. Identifiers: Orphanet 370022, MedGen C4014821, MONDO:0014419, OMIM 615960.

Allele frequency attached by ClinVar (database versions not stated): TOPMed 0.00009; gnomAD 0.00015; ExAC 0.00045.
gnomAD v4.1: 243 of 1,614,032 alleles (0.015%); highest among the groups gnomAD compares: Non-Finnish European, 0.017%; no homozygotes.

Submissions (3):

Labcorp Genetics (formerly Invitae), Labcorp
Classification: Uncertain significance. Last evaluated: 2025-05-12. Review status: criteria provided, single submitter. Criteria: Invitae Variant Classification Sherloc (09022015). Collection method: clinical testing. Allele origin: germline.
Comment: This sequence change replaces arginine, which is basic and polar, with cysteine, which is neutral and slightly polar, at codon 139 of the LAMA1 protein (p.Arg139Cys). This variant is present in population databases (rs199854892, gnomAD 0.05%). This variant has not been reported in the literature in individuals affected with LAMA1-related conditions. ClinVar contains an entry for this variant (Variation ID: 1376224). An algorithm developed to predict the effect of missense changes on protein structure and function (PolyPhen-2) suggests that this variant is likely to be disruptive. In summary, the available evidence is currently insufficient to determine the role of this variant in disease. Therefore, it has been classified as a Variant of Uncertain Significance.

Blueprint Genetics
Classification: Uncertain significance. Last evaluated: 2024-11-11. Review status: criteria provided, single submitter. Criteria: ACMG Guidelines, 2015. Collection method: clinical testing. Allele origin: germline.

Revvity Omics, Revvity
Classification: Uncertain significance for Ataxia - intellectual disability - oculomotor apraxia - cerebellar cysts syndrome. Last evaluated: 2021-11-23. Review status: criteria provided, single submitter. Criteria: ACMG Guidelines, 2015. Collection method: clinical testing. Allele origin: germline.

NM_005559.4(LAMA1):c.415C>T (p.Arg139Cys)

Gene: LAMA1 (laminin subunit alpha 1; minus strand). Cytogenetic location: 18p11.31.
Variant type: single nucleotide variant.
Coding change: c.415C>T on transcript NM_005559.4 (MANE Select); coding-DNA position 415, C replaced by T.
Protein change: p.Arg139Cys; replaces arginine 139 with cysteine.
Molecular consequence: missense variant.
Genome position (GRCh38, 1-based): chr18:7,050,867, G>A on the plus strand (C>T on the coding strand, the complement: LAMA1 is on the minus strand). VCF-style: chr18-7050867-G-A. GRCh37 (hg19) VCF-style: chr18-7050866-G-A.
Other names: short protein forms R139C.
Identifiers: ClinVar variation 1376224 (VCV001376224.7), dbSNP rs199854892, ClinGen allele CA8883308.